The following is an entry in ClinVar:

ClinVar aggregate classification (germline): Benign/Likely benign. Review status: criteria provided, multiple submitters, no conflicts (2 of 4 stars). 5 submissions from 5 submitters: Benign (1); Likely benign (4). Last evaluated 2025-09-14.

Conditions:
Hereditary cancer-predisposing syndrome. Also called: Neoplastic Syndromes, Hereditary; Tumor predisposition; Hereditary Cancer Syndrome; Hereditary neoplastic syndrome. Identifiers: Orphanet 140162, MedGen C0027672, MeSH D009386, MONDO:0015356.
Familial adenomatous polyposis 1 (FAP1). Also called: FAMILIAL ADENOMATOUS POLYPOSIS 1, ATTENUATED; POLYPOSIS, ADENOMATOUS INTESTINAL. Identifiers: MedGen C2713442, MONDO:0021056, OMIM 175100. Disease mechanism: loss of function.

Allele frequency attached by ClinVar (database versions not stated): ExAC 0.00001; gnomAD exomes 0.00001 and 0.00002.
gnomAD v4.1: 17 of 1,608,026 alleles (0.0011%); highest among the groups gnomAD compares: South Asian, 0.018%; no homozygotes.

Submissions (5):

Labcorp Genetics (formerly Invitae), Labcorp
Classification: Likely benign for Familial adenomatous polyposis 1. Last evaluated: 2025-09-14. Review status: criteria provided, single submitter. Criteria: Invitae Variant Classification Sherloc (09022015). Collection method: clinical testing. Allele origin: germline.

Myriad Genetics, Inc.
Classification: Benign for Familial adenomatous polyposis 1. Last evaluated: 2024-02-23. Review status: criteria provided, single submitter. Criteria: Myriad Autosomal Dominant, Autosomal Recessive and X-Linked Classification Criteria (2023). Collection method: clinical testing. Allele origin: unknown.
Comment: This variant is considered benign. This variant is a silent/synonymous amino acid change and it is not expected to impact splicing.

Ambry Genetics
Classification: Likely benign for Hereditary cancer-predisposing syndrome. Last evaluated: 2024-02-10. Review status: criteria provided, single submitter. Criteria: Ambry Variant Classification Scheme 2023. Collection method: clinical testing. Allele origin: germline.

Quest Diagnostics Nichols Institute San Juan Capistrano
Classification: Likely benign. Last evaluated: 2023-09-08. Review status: criteria provided, single submitter. Criteria: Quest Diagnostics criteria. Collection method: clinical testing. Allele origin: unknown.

Color Diagnostics, LLC DBA Color Health
Classification: Likely benign for Hereditary cancer-predisposing syndrome. Last evaluated: 2020-01-22. Review status: criteria provided, single submitter. Criteria: ACMG Guidelines, 2015. Collection method: clinical testing. Allele origin: germline.

NM_000038.6(APC):c.480T>A (p.Ala160=)

Gene: APC (APC regulator of Wnt signaling pathway; plus strand). Cytogenetic location: 5q22.2.
Variant type: single nucleotide variant.
Coding change: c.480T>A on transcript NM_000038.6 (MANE Select); coding-DNA position 480, T replaced by A.
Protein change: p.Ala160=; no amino-acid change (alanine 160 retained).
Molecular consequence: synonymous variant. On other transcripts: 5 prime UTR variant (1).
Genome position (GRCh38, 1-based): chr5:112,775,686, T>A. VCF-style: chr5-112775686-T-A. GRCh37 (hg19) VCF-style: chr5-112111383-T-A.
Other names: c.480T>A, p.Ala160= (NM_001127510.3, NM_001354895.2, NM_001354896.2 and 2 more transcripts); c.510T>A, p.Ala170= (NM_001127511.3, NM_001354897.2, NM_001354902.2); c.405T>A, p.Ala135= (NM_001354898.2, NM_001354904.2); c.303T>A, p.Ala101= (NM_001354900.2, NM_001354901.2, NM_001354905.2); c.-556T>A (NM_001354906.2).
Identifiers: ClinVar variation 920949 (VCV000920949.9), dbSNP rs758296324, ClinGen allele CA039926.